The following is an entry in ClinVar:

ClinVar aggregate classification (germline): Uncertain significance (1 of 4 stars; one submission).

Conditions:
Danon disease. Also called: ANTOPOL DISEASE; PSEUDOGLYCOGENOSIS II; GSD IIb; LYSOSOMAL GLYCOGEN STORAGE DISEASE WITHOUT ACID MALTASE DEFICIENCY; Glycogen Storage Disease Type IIb. Identifiers: Orphanet 34587, MedGen C0878677, MONDO:0010281, OMIM 300257.

Submission:

Labcorp Genetics (formerly Invitae), Labcorp
Classification: Uncertain significance for Danon disease. Last evaluated: 2024-04-12. Review status: criteria provided, single submitter. Criteria: Invitae Variant Classification Sherloc (09022015). Collection method: clinical testing. Allele origin: germline.
Comment: This variant, c.525_526insGTTGTCCAACACTACTGGGATATTCTTGTACAAGCT, results in the insertion of 12 amino acid(s) of the LAMP2 protein (p.Ala175_Phe176insValValGlnHisTyrTrpAspIleLeuValGlnAla), but otherwise preserves the integrity of the reading frame. This variant is not present in population databases (gnomAD no frequency). This variant has not been reported in the literature in individuals affected with LAMP2-related conditions. In summary, the available evidence is currently insufficient to determine the role of this variant in disease. Therefore, it has been classified as a Variant of Uncertain Significance.

NM_002294.3(LAMP2):c.525_526insGTTGTCCAACACTACTGGGATATTCTTGTACAAGCT (p.Ala175_Phe176insValValGlnHisTyrTrpAspIleLeuValGlnAla)

Gene: LAMP2 (lysosome associated membrane protein 2; minus strand). Cytogenetic location: Xq24.
Variant type: Insertion.
Coding change: c.525_526insGTTGTCCAACACTACTGGGATATTCTTGTACAAGCT on transcript NM_002294.3 (MANE Select); coding-DNA positions 525 to 526, GTTGTCCAACACTACTGGGATATTCTTGTACAAGCT inserted.
Protein change: p.Ala175_Phe176insValValGlnHisTyrTrpAspIleLeuValGlnAla.
Genome position: GRCh38: chrX:120,449,014-120,449,015. GRCh37 (hg19): chrX:119,582,869-119,582,870.
Other names: c.525_526insGTTGTCCAACACTACTGGGATATTCTTGTACAAGCT, p.Ala175_Phe176insValValGlnHisTyrTrpAspIleLeuValGlnAla (NM_001122606.1, NM_013995.2).
Identifiers: ClinVar variation 3649691 (VCV003649691.2).
Genomic context (GRCh38, chrX:120,449,000, plus strand): 5'-TCCAAGTAGAGAAATATATACTTTACTCACCATTTGTGCTCACTGTGCCATTTTGGACAA[A>AAGCTTGTACAAGAATATCCCAGTAGTGTTGGACAAC]AGCTTGTACAAGAACATCCCAGTAGTGTTGGACAACATCATTCTTTTCCAAAGTTGATAA-3'